The following is an entry in ClinVar:

ClinVar aggregate classification (germline): Uncertain significance (1 of 4 stars; one submission).

Conditions:
Charcot-Marie-Tooth disease type 2. Also called: Charcot-Marie-Tooth type 2. Identifiers: Orphanet 64746, MedGen C0270914, MONDO:0018993.

Allele frequency attached by ClinVar (database versions not stated): gnomAD 0.00001; TOPMed 0.00001.

Submission:

Labcorp Genetics (formerly Invitae), Labcorp
Classification: Uncertain significance for Charcot-Marie-Tooth disease type 2. Last evaluated: 2021-12-09. Review status: criteria provided, single submitter. Criteria: Invitae Variant Classification Sherloc (09022015). Collection method: clinical testing. Allele origin: germline.
Comment: This variant, c.1089_1094dup, results in the insertion of 2 amino acid(s) of the BSCL2 protein (p.Pro368_Ala369dup), but otherwise preserves the integrity of the reading frame. In summary, the available evidence is currently insufficient to determine the role of this variant in disease. Therefore, it has been classified as a Variant of Uncertain Significance. This variant has not been reported in the literature in individuals affected with BSCL2-related conditions. This variant is not present in population databases (gnomAD no frequency).

NM_001122955.4(BSCL2):c.1281_1286dup (p.428PA[4])

Genes: BSCL2 (BSCL2 lipid droplet biogenesis associated, seipin; minus strand), HNRNPUL2-BSCL2 (HNRNPUL2-BSCL2 readthrough (NMD candidate); minus strand). Cytogenetic location: 11q12.3.
Variant type: Duplication.
Coding change: c.1281_1286dup on transcript NM_001122955.4 (MANE Select); coding-DNA positions 1281 to 1286, 6 bases duplicated (GCCTGC; older notation c.1281_1286dupGCCTGC).
Protein change: p.428PA[4].
Molecular consequence: inframe insertion. On other transcripts: non-coding transcript variant (1), 3 prime UTR variant (1).
Genome position (GRCh38, 1-based): chr11:62,690,470-62,690,475, GCAGGC duplicated on the plus strand (GCCTGC on the coding strand, the reverse complement: BSCL2 is on the minus strand). VCF-style (leftmost placement, unchanged base first): chr11-62690469-A-AGCAGGC. GRCh37 (hg19) VCF-style: chr11-62457941-A-AGCAGGC.
Other names: c.*83_*88dup (NM_001130702.2); c.1287_1292dup, p.430PA[4] (NM_001386027.1); c.1281_1286dup, p.428PA[4] (NM_001386028.1); c.1089_1094dup, p.364PA[4] (NM_032667.6).
Identifiers: ClinVar variation 1435919 (VCV001435919.4), dbSNP rs1383028616, ClinGen allele CA679068455.